The following is an entry in ClinVar:

NM_032043.3(BRIP1):c.3660A>C (p.Glu1220Asp)

Gene: BRIP1 (BRCA1 interacting DNA helicase 1; minus strand). Cytogenetic location: 17q23.2.
Variant type: single nucleotide variant.
Coding change: c.3660A>C on transcript NM_032043.3 (MANE Select); coding-DNA position 3660, A replaced by C.
Protein change: p.Glu1220Asp; replaces glutamic acid 1220 with aspartic acid.
Molecular consequence: missense variant.
Genome position (GRCh38, 1-based): chr17:61,683,386, T>G on the plus strand (A>C on the coding strand, the complement: BRIP1 is on the minus strand). VCF-style: chr17-61683386-T-G. GRCh37 (hg19) VCF-style: chr17-59760747-T-G.
Other names: short protein forms E1220D.
Identifiers: ClinVar variation 1943950 (VCV001943950.5), dbSNP rs2144068349, ClinGen allele CA400477879.

ClinVar aggregate classification (germline): Uncertain significance (1 of 4 stars; one submission).

Conditions:
Fanconi anemia complementation group J. Also called: BRIP1-Related Fanconi Anemia. Identifiers: Orphanet 84, MedGen C1836860, MONDO:0012187, OMIM 609054.
Familial cancer of breast. Also called: Hereditary breast cancer; hereditary breast carcinoma; BREAST CANCER, FAMILIAL. Identifiers: Orphanet 227535, MedGen C0346153, MONDO:0016419, OMIM 114480. Disease mechanism: loss of function.

Submission:

Labcorp Genetics (formerly Invitae), Labcorp
Classification: Uncertain significance for Familial cancer of breast; Fanconi anemia complementation group J. Last evaluated: 2022-07-13. Review status: criteria provided, single submitter. Criteria: Invitae Variant Classification Sherloc (09022015). Collection method: clinical testing. Allele origin: germline.
Comment: In summary, the available evidence is currently insufficient to determine the role of this variant in disease. Therefore, it has been classified as a Variant of Uncertain Significance. Algorithms developed to predict the effect of missense changes on protein structure and function output the following: SIFT: "Tolerated"; PolyPhen-2: "Benign"; Align-GVGD: "Class C0". The aspartic acid amino acid residue is found in multiple mammalian species, which suggests that this missense change does not adversely affect protein function. This variant has not been reported in the literature in individuals affected with BRIP1-related conditions. This variant is not present in population databases (gnomAD no frequency). This sequence change replaces glutamic acid, which is acidic and polar, with aspartic acid, which is acidic and polar, at codon 1220 of the BRIP1 protein (p.Glu1220Asp).